The following is an entry in ClinVar:

NM_022089.4(ATP13A2):c.165G>C (p.Trp55Cys)

Gene: ATP13A2 (ATPase cation transporting 13A2; minus strand). Cytogenetic location: 1p36.13.
Variant type: single nucleotide variant.
Coding change: c.165G>C on transcript NM_022089.4 (MANE Select); coding-DNA position 165, G replaced by C.
Protein change: p.Trp55Cys; replaces tryptophan 55 with cysteine.
Molecular consequence: missense variant.
Genome position (GRCh38, 1-based): chr1:17,005,497, C>G on the plus strand (G>C on the coding strand, the complement: ATP13A2 is on the minus strand). VCF-style: chr1-17005497-C-G. GRCh37 (hg19) VCF-style: chr1-17331992-C-G.
Other names: c.165G>C, p.Trp55Cys (NM_001141973.3, NM_001141974.3); short protein forms W55C.
Identifiers: ClinVar variation 2078635 (VCV002078635.4), dbSNP rs1399740972, ClinGen allele CA338264788.

ClinVar aggregate classification (germline): Uncertain significance (1 of 4 stars; one submission).

Conditions:
Autosomal recessive spastic paraplegia type 78. Identifiers: Orphanet 513436, MedGen C5567893, MONDO:0014975, OMIM 617225.
Kufor-Rakeb syndrome (KRS). Also called: PARKINSON DISEASE 9, AUTOSOMAL RECESSIVE, JUVENILE-ONSET. Identifiers: Orphanet 306674, Orphanet 314632, MedGen C1847640, MONDO:0011706, OMIM 606693.

Allele frequency attached by ClinVar (database versions not stated): gnomAD exomes below 0.00001; TOPMed below 0.00001.
gnomAD v4.1: 1 of 1,614,250 alleles (0.000062%); highest among the groups gnomAD compares: Admixed American, 0.0017%; no homozygotes.

Submission:

Labcorp Genetics (formerly Invitae), Labcorp
Classification: Uncertain significance for Kufor-Rakeb syndrome; Autosomal recessive spastic paraplegia type 78. Last evaluated: 2023-08-17. Review status: criteria provided, single submitter. Criteria: Invitae Variant Classification Sherloc (09022015). Collection method: clinical testing. Allele origin: germline.
Comment: This variant is present in population databases (no rsID available, gnomAD 0.003%). This sequence change replaces tryptophan, which is neutral and slightly polar, with cysteine, which is neutral and slightly polar, at codon 55 of the ATP13A2 protein (p.Trp55Cys). This variant has not been reported in the literature in individuals affected with ATP13A2-related conditions. In summary, the available evidence is currently insufficient to determine the role of this variant in disease. Therefore, it has been classified as a Variant of Uncertain Significance. Advanced modeling of protein sequence and biophysical properties (such as structural, functional, and spatial information, amino acid conservation, physicochemical variation, residue mobility, and thermodynamic stability) performed at Invitae indicates that this missense variant is not expected to disrupt ATP13A2 protein function. ClinVar contains an entry for this variant (Variation ID: 2078635).